The following is an entry in ClinVar:

ClinVar aggregate classification (germline): Uncertain significance. Review status: criteria provided, multiple submitters, no conflicts (2 of 4 stars). 2 submissions from 2 submitters: Uncertain significance (2). Last evaluated 2025-05-30.

Conditions:
Inborn genetic diseases. Identifiers: MedGen C0950123, MeSH D030342.
Beta-D-mannosidosis (MANSB). Also called: MANNOSIDOSIS, BETA A, LYSOSOMAL; BETA-MANNOSIDASE DEFICIENCY; LYSOSOMAL BETA-MANNOSIDASE DEFICIENCY; Beta-Mannosidosis. Identifiers: Orphanet 118, MedGen C4048196, MONDO:0009562, OMIM 248510.

Allele frequency attached by ClinVar (database versions not stated): ExAC 0.00005; gnomAD 0.00003; gnomAD exomes 0.00002; ESP Exome Variant Server 0.00015.

Submissions (2):

Ambry Genetics
Classification: Uncertain significance for Inborn genetic diseases. Last evaluated: 2025-05-30. Review status: criteria provided, single submitter. Criteria: Ambry Variant Classification Scheme 2023. Collection method: clinical testing. Allele origin: germline.

Labcorp Genetics (formerly Invitae), Labcorp
Classification: Uncertain significance for Beta-D-mannosidosis. Last evaluated: 2022-07-19. Review status: criteria provided, single submitter. Criteria: Invitae Variant Classification Sherloc (09022015). Collection method: clinical testing. Allele origin: germline.
Comment: This sequence change replaces leucine, which is neutral and non-polar, with phenylalanine, which is neutral and non-polar, at codon 21 of the MANBA protein (p.Leu21Phe). The frequency data for this variant in the population databases is considered unreliable, as metrics indicate poor data quality at this position in the gnomAD database. This variant has not been reported in the literature in individuals affected with MANBA-related conditions. ClinVar contains an entry for this variant (Variation ID: 1443433). Algorithms developed to predict the effect of missense changes on protein structure and function output the following: SIFT: "Tolerated"; PolyPhen-2: "Not Available"; Align-GVGD: "Class C0". The phenylalanine amino acid residue is found in multiple mammalian species, which suggests that this missense change does not adversely affect protein function. In summary, the available evidence is currently insufficient to determine the role of this variant in disease. Therefore, it has been classified as a Variant of Uncertain Significance.

NM_005908.4(MANBA):c.61C>T (p.Leu21Phe)

Genes: MANBA (mannosidase beta; minus strand), LOC129992886 (ATAC-STARR-seq lymphoblastoid active region 21757; plus strand). Cytogenetic location: 4q24.
Variant type: single nucleotide variant.
Coding change: c.61C>T on transcript NM_005908.4 (MANE Select); coding-DNA position 61, C replaced by T.
Protein change: p.Leu21Phe; replaces leucine 21 with phenylalanine.
Molecular consequence: missense variant.
Genome position (GRCh38, 1-based): chr4:102,760,834, G>A on the plus strand (C>T on the coding strand, the complement: MANBA is on the minus strand). VCF-style: chr4-102760834-G-A. GRCh37 (hg19) VCF-style: chr4-103681991-G-A.
Other names: c.61C>T (NM_005908.3); short protein forms L21F.
Identifiers: ClinVar variation 1443433 (VCV001443433.6), dbSNP rs139936532, ClinGen allele CA3027342.